The following is an entry in ClinVar:

NM_005720.4(ARPC1B):c.393-2A>G

Gene: ARPC1B (actin related protein 2/3 complex subunit 1B; plus strand). Cytogenetic location: 7q22.1.
Variant type: single nucleotide variant.
Coding change: c.393-2A>G on transcript NM_005720.4 (MANE Select); the canonical splice acceptor site of the intron before coding-DNA position 393, A replaced by G.
Molecular consequence: splice acceptor variant.
Genome position (GRCh38, 1-based): chr7:99,389,903, A>G. VCF-style: chr7-99389903-A-G. GRCh37 (hg19) VCF-style: chr7-98987526-A-G.
Identifiers: ClinVar variation 2036173 (VCV002036173.4), dbSNP rs2484639268, ClinGen allele CA368320399.

ClinVar aggregate classification (germline): Likely pathogenic (1 of 4 stars; one submission).

Submission:

Labcorp Genetics (formerly Invitae), Labcorp
Classification: Likely pathogenic. Last evaluated: 2022-10-20. Review status: criteria provided, single submitter. Criteria: Invitae Variant Classification Sherloc (09022015). Collection method: clinical testing. Allele origin: germline.
Comment: In summary, the currently available evidence indicates that the variant is pathogenic, but additional data are needed to prove that conclusively. Therefore, this variant has been classified as Likely Pathogenic. Algorithms developed to predict the effect of sequence changes on RNA splicing suggest that this variant may disrupt the consensus splice site. This variant has not been reported in the literature in individuals affected with ARPC1B-related conditions. This variant is not present in population databases (gnomAD no frequency). This sequence change affects an acceptor splice site in intron 4 of the ARPC1B gene. It is expected to disrupt RNA splicing. Variants that disrupt the donor or acceptor splice site typically lead to a loss of protein function (PMID: 16199547), and loss-of-function variants in ARPC1B are known to be pathogenic (PMID: 27965109, 28368018, 29127144).

Literature cited by the submitters: PubMed 16199547; PubMed 27965109; PubMed 28368018; PubMed 29127144.